The following is an entry in ClinVar:

NM_001348716.2(KDM6B):c.3472_3473delinsAT (p.Ser1158Ile)

Gene: KDM6B (lysine demethylase 6B; plus strand). Cytogenetic location: 17p13.1.
Variant type: Indel.
Coding change: c.3472_3473delinsAT on transcript NM_001348716.2 (MANE Select); coding-DNA positions 3472 to 3473, TC replaced by AT.
Protein change: p.Ser1158Ile; replaces serine 1158 with isoleucine.
Molecular consequence: missense variant.
Genome position (GRCh38, 1-based): chr17:7,849,852-7,849,853, TC replaced by AT. VCF-style: chr17-7849852-TC-AT. GRCh37 (hg19) VCF-style: chr17-7753170-TC-AT.
Other names: c.3472_3473delinsAT, p.Ser1158Ile (NM_001080424.2); short protein forms S1158I.
Identifiers: ClinVar variation 3602437 (VCV003602437.1).

ClinVar aggregate classification (germline): Uncertain significance (1 of 4 stars; one submission).

Submission:

GeneDx
Classification: Uncertain significance. Last evaluated: 2024-07-27. Review status: criteria provided, single submitter. Criteria: GeneDx Variant Classification Process June 2021. Collection method: clinical testing. Allele origin: germline. Affected: yes.
Comment: Not observed at significant frequency in large population cohorts (gnomAD); In silico analysis supports a deleterious effect on protein structure/function; Has not been previously published as pathogenic or benign to our knowledge